The following is an entry in ClinVar:

NM_002778.4(PSAP):c.637C>T (p.Arg213Trp)

Gene: PSAP (prosaposin; minus strand). Cytogenetic location: 10q22.1.
Variant type: single nucleotide variant.
Coding change: c.637C>T on transcript NM_002778.4 (MANE Select); coding-DNA position 637, C replaced by T.
Protein change: p.Arg213Trp; replaces arginine 213 with tryptophan.
Molecular consequence: missense variant.
Genome position (GRCh38, 1-based): chr10:71,828,097, G>A on the plus strand (C>T on the coding strand, the complement: PSAP is on the minus strand). VCF-style: chr10-71828097-G-A. GRCh37 (hg19) VCF-style: chr10-73587854-G-A.
Other names: c.637C>T, p.Arg213Trp (NM_001042465.3, NM_001042466.3); short protein forms R213W.
Identifiers: ClinVar variation 1400109 (VCV001400109.6), dbSNP rs150521779, ClinGen allele CA5547710.
Genomic context (GRCh38, chr10:71,828,097, plus strand): 5'-GGCGGTCACACTCCTCCTTGACATGTTCCACCAAGGCCTGGACAAAGGTGGAGTTGGTCC[G>A]TACAGCAGTCTGGATGTCAGTCACCATCTGAATGCAGTCCTGGCAAACGTCCCCATTATC-3'
Protein context (NP_002769.1, residues 203-223): QMVTDIQTAV[Arg213Trp]TNSTFVQALV

ClinVar aggregate classification (germline): Uncertain significance. Review status: criteria provided, multiple submitters, no conflicts (2 of 4 stars). 3 submissions from 3 submitters: Uncertain significance (3). Last evaluated 2024-04-30.

Conditions:
Krabbe disease due to saposin A deficiency. Also called: Saposin A Deficiency; KRABBE DISEASE, ATYPICAL, DUE TO SAPOSIN A DEFICIENCY. Identifiers: Orphanet 487, MedGen C2673266, MONDO:0012720, OMIM 611722.
Combined PSAP deficiency (PSAPD). Also called: Encephalopathy due to prosaposin deficiency; COMBINED SAP DEFICIENCY; PROSAPOSIN DEFICIENCY. Identifiers: Orphanet 139406, MedGen C2673635, MONDO:0012719, OMIM 611721.
Gaucher disease due to saposin C deficiency. Also called: Saposin C Deficiency; Atypical Gaucher disease due to saposin C deficiency. Identifiers: Orphanet 309252, Orphanet 355, MedGen C1864651, MONDO:0012517, OMIM 610539.
Parkinson disease 24, autosomal dominant, susceptibility to. Identifiers: MedGen C5561969, MONDO:0859183, OMIM 619491.
Sphingolipid activator protein 1 deficiency. Also called: Metachromatic leukodystrophy due to saposin B deficiency; Saposin B Deficiency; METACHROMATIC LEUKODYSTROPHY DUE TO CEREBROSIDE SULFATASE ACTIVATOR DEFICIENCY. Identifiers: Orphanet 512, MedGen C0268262, MONDO:0009590, OMIM 249900.

Allele frequency attached by ClinVar (database versions not stated): TOPMed 0.00002; ExAC 0.00008; gnomAD 0.00009; gnomAD exomes 0.00010; 1000 Genomes Project 30x 0.00016; 1000 Genomes Project 0.00020.
gnomAD v4.1: 76 of 1,614,128 alleles (0.0047%); highest among the groups gnomAD compares: East Asian, 0.0045%; no homozygotes.

Submissions (3):

Women's Health and Genetics/Laboratory Corporation of America, LabCorp
Classification: Uncertain significance. Last evaluated: 2024-04-30. Review status: criteria provided, single submitter. Criteria: LabCorp Variant Classification Summary - May 2015. Collection method: clinical testing. Allele origin: germline.
Comment: Variant summary: PSAP c.637C>T (p.Arg213Trp) results in a non-conservative amino acid change located in the Saposin B type domain (IPR008139) of the encoded protein sequence. Five of five in-silico tools predict a damaging effect of the variant on protein function. The variant allele was found at a frequency of 0.0001 in 251492 control chromosomes. This frequency is not significantly higher than estimated for a pathogenic variant in PSAP causing Metachromatic Leukodystrophy (0.0001 vs 0.0004), allowing no conclusion about variant significance. To our knowledge, no occurrence of c.637C>T in individuals affected with Metachromatic Leukodystrophy and no experimental evidence demonstrating its impact on protein function have been reported. ClinVar contains an entry for this variant (Variation ID: 1400109). Based on the evidence outlined above, the variant was classified as uncertain significance.

Labcorp Genetics (formerly Invitae), Labcorp
Classification: Uncertain significance for Sphingolipid activator protein 1 deficiency. Last evaluated: 2022-08-31. Review status: criteria provided, single submitter. Criteria: Invitae Variant Classification Sherloc (09022015). Collection method: clinical testing. Allele origin: germline.
Comment: This sequence change replaces arginine, which is basic and polar, with tryptophan, which is neutral and slightly polar, at codon 213 of the PSAP protein (p.Arg213Trp). This variant is present in population databases (rs150521779, gnomAD 0.06%). This variant has not been reported in the literature in individuals affected with PSAP-related conditions. ClinVar contains an entry for this variant (Variation ID: 1400109). Algorithms developed to predict the effect of missense changes on protein structure and function are either unavailable or do not agree on the potential impact of this missense change (SIFT: "Not Available"; PolyPhen-2: "Probably Damaging"; Align-GVGD: "Not Available"). In summary, the available evidence is currently insufficient to determine the role of this variant in disease. Therefore, it has been classified as a Variant of Uncertain Significance.

Juno Genomics, Hangzhou Juno Genomics, Inc
Classification: Uncertain significance for Parkinson disease 24, autosomal dominant, susceptibility to; Combined PSAP deficiency; Gaucher disease due to saposin C deficiency; Krabbe disease due to saposin A deficiency; Sphingolipid activator protein 1 deficiency. Review status: criteria provided, single submitter. Criteria: ACMG Guidelines, 2015. Collection method: clinical testing. Allele origin: germline.
Comment: Absent from controls (or at extremely low frequency if recessive) in Genome Aggregation Database.